The following is an entry in ClinVar:

ClinVar aggregate classification (germline): Conflicting classifications of pathogenicity. Review status: criteria provided, conflicting classifications (1 of 4 stars). 4 submissions from 4 submitters: Uncertain significance (3); Likely benign (1). Last evaluated 2026-01-21.

Conditions:
Hereditary breast ovarian cancer syndrome. Also called: Hereditary breast and/or ovarian cancer syndrome; Hereditary breast and ovarian cancer syndrome; Hereditary breast and ovarian cancer; Hereditary breast and ovarian cancer syndrome (HBOC); Breast and ovarian cancer; BRCA1- and BRCA2-Associated Hereditary Breast and Ovarian Cancer. Identifiers: Orphanet 145, MedGen C0677776, MeSH D061325, MONDO:0003582. Disease mechanism: loss of function.
Hereditary cancer-predisposing syndrome. Also called: Tumor predisposition; Hereditary Cancer Syndrome; Neoplastic Syndromes, Hereditary; Hereditary neoplastic syndrome. Identifiers: Orphanet 140162, MedGen C0027672, MeSH D009386, MONDO:0015356.

Allele frequency attached by ClinVar (database versions not stated): gnomAD exomes below 0.00001.
gnomAD v4.1: 1 of 1,613,974 alleles (0.000062%); highest among the groups gnomAD compares: East Asian, 0.0022%; no homozygotes.

Submissions (4):

Ambry Genetics
Classification: Uncertain significance for Hereditary cancer-predisposing syndrome. Last evaluated: 2026-01-21. Review status: criteria provided, single submitter. Criteria: Ambry Variant Classification Scheme 2023. Collection method: clinical testing. Allele origin: germline.
Comment: The p.K894N variant (also known as c.2682A>T), located in coding exon 9 of the BRCA1 gene, results from an A to T substitution at nucleotide position 2682. The lysine at codon 894 is replaced by asparagine, an amino acid with similar properties. This amino acid position is not well conserved in available vertebrate species. In addition, this alteration is predicted to be tolerated by in silico analysis. Based on the available evidence, the clinical significance of this variant remains unclear.

Labcorp Genetics (formerly Invitae), Labcorp
Classification: Uncertain significance for Hereditary breast ovarian cancer syndrome. Last evaluated: 2024-02-27. Review status: criteria provided, single submitter. Criteria: Invitae Variant Classification Sherloc (09022015). Collection method: clinical testing. Allele origin: germline.
Comment: This sequence change replaces lysine, which is basic and polar, with asparagine, which is neutral and polar, at codon 894 of the BRCA1 protein (p.Lys894Asn). This variant is present in population databases (no rsID available, gnomAD 0.006%). This variant has not been reported in the literature in individuals affected with BRCA1-related conditions. ClinVar contains an entry for this variant (Variation ID: 489712). Advanced modeling of protein sequence and biophysical properties (such as structural, functional, and spatial information, amino acid conservation, physicochemical variation, residue mobility, and thermodynamic stability) performed at Invitae indicates that this missense variant is not expected to disrupt BRCA1 protein function with a negative predictive value of 95%. In summary, the available evidence is currently insufficient to determine the role of this variant in disease. Therefore, it has been classified as a Variant of Uncertain Significance.

University of Washington Department of Laboratory Medicine, University of Washington
Classification: Likely benign for Hereditary cancer-predisposing syndrome. Last evaluated: 2023-03-23. Review status: criteria provided, single submitter. Criteria: Dines et al. (Genet Med. 2020). Collection method: curation. Allele origin: germline.
Comment: Missense variant in a coldspot region where missense variants are very unlikely to be pathogenic (PMID:31911673).

BRCA1 coldspot (exon 11 using historical exon numbering). Reclassification based on statistical prior probability

Color Diagnostics, LLC DBA Color Health
Classification: Uncertain significance for Hereditary cancer-predisposing syndrome. Last evaluated: 2021-01-20. Review status: criteria provided, single submitter. Criteria: ACMG Guidelines, 2015. Collection method: clinical testing. Allele origin: germline.
Comment: This missense variant replaces lysine with asparagine at codon 894 of the BRCA1 protein. Computational prediction suggests that this variant may not impact protein structure and function (internally defined REVEL score threshold <= 0.5, PMID: 27666373). To our knowledge, functional studies have not been reported for this variant. This variant has not been reported in individuals affected with hereditary cancer in the literature. This variant has been identified in 1/250972 chromosomes in the general population by the Genome Aggregation Database (gnomAD). The available evidence is insufficient to determine the role of this variant in disease conclusively. Therefore, this variant is classified as a Variant of Uncertain Significance.

NM_007294.4(BRCA1):c.2682A>T (p.Lys894Asn)

Gene: BRCA1 (BRCA1 DNA repair associated; minus strand). Cytogenetic location: 17q21.31.
Variant type: single nucleotide variant.
Coding change: c.2682A>T on transcript NM_007294.4 (MANE Select); coding-DNA position 2682, A replaced by T.
Protein change: p.Lys894Asn; replaces lysine 894 with asparagine.
Molecular consequence: missense variant. On other transcripts: intron variant (137).
Genome position (GRCh38, 1-based): chr17:43,092,849, T>A on the plus strand (A>T on the coding strand, the complement: BRCA1 is on the minus strand). VCF-style: chr17-43092849-T-A. GRCh37 (hg19) VCF-style: chr17-41244866-T-A.
Other names: c.2469A>T, p.Lys823Asn (NM_001407571.1, NM_001407853.1, NM_001407895.1 and 9 more transcripts); c.2682A>T, p.Lys894Asn (NM_001407581.1, NM_001407582.1, NM_001407583.1 and 30 more transcripts); c.2679A>T, p.Lys893Asn (NM_001407587.1, NM_001407590.1, NM_001407591.1 and 22 more transcripts); c.2673A>T, p.Lys891Asn (NM_001407646.1, NM_001407647.1); c.2559A>T, p.Lys853Asn (NM_001407648.1, NM_001407665.1, NM_001407666.1 and 19 more transcripts); c.2556A>T, p.Lys852Asn (NM_001407649.1, NM_001407670.1, NM_001407671.1 and 11 more transcripts); c.2604A>T, p.Lys868Asn (NM_001407653.1, NM_001407654.1, NM_001407655.1 and 4 more transcripts); c.2541A>T, p.Lys847Asn (NM_001407692.1, NM_001407729.1, NM_001407730.1 and 29 more transcripts); and 41 more; short protein forms K894N, K847N, K783N, K805N, K827N, K867N, K598N, K767N.
Identifiers: ClinVar variation 489712 (VCV000489712.14), dbSNP rs1131692093, ClinGen allele CA10596635.